The following is an entry in ClinVar:

NM_006280.3(SSR4):c.433C>A (p.Pro145Thr)

Gene: SSR4 (signal sequence receptor subunit 4; plus strand). Cytogenetic location: Xq28.
Variant type: single nucleotide variant.
Coding change: c.433C>A on transcript NM_006280.3 (MANE Select); coding-DNA position 433, C replaced by A.
Protein change: p.Pro145Thr; replaces proline 145 with threonine.
Molecular consequence: missense variant.
Genome position (GRCh38, 1-based): chrX:153,798,344, C>A. VCF-style: chrX-153798344-C-A. GRCh37 (hg19) VCF-style: chrX-153063799-C-A.
Other names: c.466C>A, p.Pro156Thr (NM_001204526.2); c.457C>A, p.Pro153Thr (NM_001204527.2); short protein forms P145T, P153T, P156T.
Identifiers: ClinVar variation 1702650 (VCV001702650.2), dbSNP rs2148451527, ClinGen allele CA415187181.

ClinVar aggregate classification (germline): Uncertain significance (1 of 4 stars; one submission).

gnomAD v4.1: 1 of 1,206,947 alleles (0.000083%); highest among the groups gnomAD compares: Non-Finnish European, 0.00011%; no homozygotes.

Submission:

GeneDx
Classification: Uncertain significance. Last evaluated: 2022-02-16. Review status: criteria provided, single submitter. Criteria: GeneDx Variant Classification Process June 2021. Collection method: clinical testing. Allele origin: germline. Affected: yes.
Comment: Not observed at significant frequency in large population cohorts (gnomAD); In silico analysis supports that this missense variant has a deleterious effect on protein structure/function; Has not been previously published as pathogenic or benign to our knowledge